The following is an entry in ClinVar:

ClinVar aggregate classification (germline): Uncertain significance (1 of 4 stars; one submission).

Conditions:
Arrhythmogenic right ventricular dysplasia 5. Also called: ARRHYTHMOGENIC RIGHT VENTRICULAR DYSPLASIA, FAMILIAL, 5; Arrhythmogenic Right Ventricular Dysplasia/Cardiomyopathy 5. Identifiers: MedGen C1858379, MONDO:0011459, OMIM 604400.

Submission:

Labcorp Genetics (formerly Invitae), Labcorp
Classification: Uncertain significance for Arrhythmogenic right ventricular dysplasia 5. Last evaluated: 2022-09-06. Review status: criteria provided, single submitter. Criteria: Invitae Variant Classification Sherloc (09022015). Collection method: clinical testing. Allele origin: germline.
Comment: This sequence change replaces serine, which is neutral and polar, with phenylalanine, which is neutral and non-polar, at codon 205 of the TMEM43 protein (p.Ser205Phe). This variant is not present in population databases (gnomAD no frequency). ClinVar contains an entry for this variant (Variation ID: 1462072). This variant has not been reported in the literature in individuals affected with TMEM43-related conditions. Algorithms developed to predict the effect of missense changes on protein structure and function are either unavailable or do not agree on the potential impact of this missense change (SIFT: "Deleterious"; PolyPhen-2: "Benign"; Align-GVGD: "Class C0"). In summary, the available evidence is currently insufficient to determine the role of this variant in disease. Therefore, it has been classified as a Variant of Uncertain Significance.

NM_024334.3(TMEM43):c.614C>T (p.Ser205Phe)

Gene: TMEM43 (transmembrane protein 43; plus strand). Cytogenetic location: 3p25.1.
Variant type: single nucleotide variant.
Coding change: c.614C>T on transcript NM_024334.3 (MANE Select); coding-DNA position 614, C replaced by T.
Protein change: p.Ser205Phe; replaces serine 205 with phenylalanine.
Molecular consequence: missense variant.
Genome position (GRCh38, 1-based): chr3:14,134,800, C>T. VCF-style: chr3-14134800-C-T. GRCh37 (hg19) VCF-style: chr3-14176300-C-T.
Other names: short protein forms S205F.
Identifiers: ClinVar variation 1462072 (VCV001462072.6), dbSNP rs769787683, ClinGen allele CA351535494.